The following is an entry in ClinVar:

ClinVar aggregate classification (germline): Likely benign. Review status: criteria provided, multiple submitters, no conflicts (2 of 4 stars). 3 submissions from 3 submitters: Likely benign (3). Last evaluated 2026-02-01.

Conditions:
Fanconi anemia complementation group P. Also called: SLX4-Related Fanconi Anemia. Identifiers: Orphanet 84, MedGen C3469542, MONDO:0013499, OMIM 613951.
Fanconi anemia (FA). Also called: Fanconi's anemia. Identifiers: Orphanet 84, MedGen C0015625, MeSH D005199, MONDO:0019391.

Allele frequency attached by ClinVar (database versions not stated): ExAC 0.00003; gnomAD exomes 0.00003 and 0.00008; ESP Exome Variant Server 0.00008; gnomAD 0.00021 and 0.00022; TOPMed 0.00022.
gnomAD v4.1: 86 of 1,614,038 alleles (0.0053%); highest among the groups gnomAD compares: Admixed American, 0.08%; 1 homozygote.

Submissions (3):

Labcorp Genetics (formerly Invitae), Labcorp
Classification: Likely benign for Fanconi anemia. Last evaluated: 2026-02-01. Review status: criteria provided, single submitter. Criteria: Invitae Variant Classification Sherloc (09022015). Collection method: clinical testing. Allele origin: germline.

CeGaT Center for Human Genetics Tuebingen
Classification: Likely benign. Last evaluated: 2025-12-01. Review status: criteria provided, single submitter. Criteria: CeGaT Center For Human Genetics Tuebingen Variant Classification Criteria Version 2. Collection method: clinical testing. Allele origin: germline. Affected: yes. Observed: 3 variant alleles.
Comment: SLX4: BP4, BP7

Fulgent Genetics
Classification: Likely benign for Fanconi anemia complementation group P. Last evaluated: 2021-11-18. Review status: criteria provided, single submitter. Criteria: ACMG Guidelines, 2015. Collection method: clinical testing. Allele origin: unknown.

NM_032444.4(SLX4):c.1065G>A (p.Gln355=)

Gene: SLX4 (SLX4 structure-specific endonuclease subunit; minus strand). Cytogenetic location: 16p13.3.
Variant type: single nucleotide variant.
Coding change: c.1065G>A on transcript NM_032444.4 (MANE Select); coding-DNA position 1065, G replaced by A.
Protein change: p.Gln355=; no amino-acid change (glutamine 355 retained).
Molecular consequence: synonymous variant.
Genome position (GRCh38, 1-based): chr16:3,601,077, C>T on the plus strand (G>A on the coding strand, the complement: SLX4 is on the minus strand). VCF-style: chr16-3601077-C-T. GRCh37 (hg19) VCF-style: chr16-3651078-C-T.
Other names: c.1065G>A (LRG_503t1).
Identifiers: ClinVar variation 414721 (VCV000414721.36), dbSNP rs200183071, ClinGen allele CA7866651.